The following is an entry in ClinVar:

NM_014244.5(ADAMTS2):c.2208T>C (p.His736=)

Gene: ADAMTS2 (ADAM metallopeptidase with thrombospondin type 1 motif 2; minus strand). Cytogenetic location: 5q35.3.
Variant type: single nucleotide variant.
Coding change: c.2208T>C on transcript NM_014244.5 (MANE Select); coding-DNA position 2208, T replaced by C.
Protein change: p.His736=; no amino-acid change (histidine 736 retained).
Molecular consequence: synonymous variant.
Genome position (GRCh38, 1-based): chr5:179,132,778, A>G on the plus strand (T>C on the coding strand, the complement: ADAMTS2 is on the minus strand). VCF-style: chr5-179132778-A-G. GRCh37 (hg19) VCF-style: chr5-178559779-A-G.
Other names: c.2208T>C (NM_014244.4).
Identifiers: ClinVar variation 1409636 (VCV001409636.6), dbSNP rs2113206149, ClinGen allele CA448035459.

ClinVar aggregate classification (germline): Uncertain significance. Review status: criteria provided, single submitter (1 of 4 stars). 2 submissions from 2 submitters: Uncertain significance (1). 1 of the submissions does not count toward it. Last evaluated 2021-09-30.

Conditions:
Ehlers-Danlos syndrome, dermatosparaxis type. Also called: Dermatosparaxis; Ehlers-Danlos syndrome, type VII, autosomal recessive; EDS VIIC. Identifiers: Orphanet 1901, MedGen C2700425, MONDO:0009161, OMIM 225410.

Submissions (2):

Labcorp Genetics (formerly Invitae), Labcorp
Classification: Uncertain significance for Ehlers-Danlos syndrome, dermatosparaxis type. Last evaluated: 2021-09-30. Review status: criteria provided, single submitter. Criteria: Invitae Variant Classification Sherloc (09022015). Collection method: clinical testing. Allele origin: germline.
Comment: This sequence change affects codon 736 of the ADAMTS2 mRNA. It is a 'silent' change, meaning that it does not change the encoded amino acid sequence of the ADAMTS2 protein. This variant is not present in population databases (ExAC no frequency). This variant has not been reported in the literature in individuals with ADAMTS2-related conditions. Algorithms developed to predict the effect of sequence changes on RNA splicing suggest that this variant is not likely to affect RNA splicing, but this prediction has not been confirmed by published transcriptional studies. In summary, the available evidence is currently insufficient to determine the role of this variant in disease. Therefore, it has been classified as a Variant of Uncertain Significance.

Natera, Inc.
Classification: Uncertain significance for Ehlers-Danlos syndrome type VIIC. Last evaluated: 2025-02-18. Review status: no assertion criteria provided. Collection method: clinical testing. Allele origin: germline. Not counted in ClinVar's aggregate classification.